The following is an entry in ClinVar:

ClinVar aggregate classification (germline): Uncertain significance (1 of 4 stars; one submission).

Submission:

GeneDx
Classification: Uncertain significance. Last evaluated: 2026-01-14. Review status: criteria provided, single submitter. Criteria: GeneDx Variant Classification Process June 2021. Collection method: clinical testing. Allele origin: germline.
Comment: Not observed at significant frequency in large population cohorts (gnomAD); In silico analysis supports that this missense variant has a deleterious effect on protein structure/function; Has not been previously published as pathogenic or benign to our knowledge

NM_001379029.1(CERT1):c.1498C>A (p.Pro500Thr)

Gene: CERT1 (ceramide transporter 1; minus strand). Cytogenetic location: 5q13.3.
Variant type: single nucleotide variant.
Coding change: c.1498C>A on transcript NM_001379029.1 (MANE Select); coding-DNA position 1498, C replaced by A.
Protein change: p.Pro500Thr; replaces proline 500 with threonine.
Molecular consequence: missense variant.
Genome position (GRCh38, 1-based): chr5:75,382,068, G>T on the plus strand (C>A on the coding strand, the complement: CERT1 is on the minus strand). VCF-style: chr5-75382068-G-T. GRCh37 (hg19) VCF-style: chr5-74677893-G-T.
Other names: c.1882C>A, p.Pro628Thr (NM_001130105.1); c.1498C>A, p.Pro500Thr (NM_001379002.1, NM_005713.3); c.1420C>A, p.Pro474Thr (NM_001379003.1, NM_001379004.1, NM_031361.3); short protein forms P474T, P500T, P628T.
Identifiers: ClinVar variation 2444632 (VCV002444632.2), dbSNP rs2478893590, ClinGen allele CA360140496.